The following is an entry in ClinVar:

ClinVar aggregate classification (germline): Uncertain significance (1 of 4 stars; one submission).

gnomAD v4.1: 3 of 1,613,210 alleles (0.00019%); highest among the groups gnomAD compares: Admixed American, 0.0017%; no homozygotes.

Submission:

Labcorp Genetics (formerly Invitae), Labcorp
Classification: Uncertain significance. Last evaluated: 2025-09-20. Review status: criteria provided, single submitter. Criteria: Invitae Variant Classification Sherloc (09022015). Collection method: clinical testing. Allele origin: germline.
Comment: This sequence change replaces leucine, which is neutral and non-polar, with phenylalanine, which is neutral and non-polar, at codon 70 of the ZCCHC8 protein (p.Leu70Phe). This variant is present in population databases (no rsID available, gnomAD 0.003%). This variant has not been reported in the literature in individuals affected with ZCCHC8-related conditions. Invitae Evidence Modeling of protein sequence and biophysical properties (such as structural, functional, and spatial information, amino acid conservation, physicochemical variation, residue mobility, and thermodynamic stability) has been performed for this missense variant. However, the output from this modeling did not meet the statistical confidence thresholds required to predict the impact of this variant on ZCCHC8 protein function. In summary, the available evidence is currently insufficient to determine the role of this variant in disease. Therefore, it has been classified as a Variant of Uncertain Significance.

NM_017612.5(ZCCHC8):c.208C>T (p.Leu70Phe)

Gene: ZCCHC8 (zinc finger CCHC-type containing 8; minus strand). Cytogenetic location: 12q24.31.
Variant type: single nucleotide variant.
Coding change: c.208C>T on transcript NM_017612.5 (MANE Select); coding-DNA position 208, C replaced by T.
Protein change: p.Leu70Phe; replaces leucine 70 with phenylalanine.
Molecular consequence: missense variant. On other transcripts: 5 prime UTR variant (2), intron variant (1).
Genome position (GRCh38, 1-based): chr12:122,498,861, G>A on the plus strand (C>T on the coding strand, the complement: ZCCHC8 is on the minus strand). VCF-style: chr12-122498861-G-A. GRCh37 (hg19) VCF-style: chr12-122983408-G-A.
Other names: c.208C>T, p.Leu70Phe (NM_001350935.2); c.-337C>T (NM_001350937.2); c.-231C>T (NM_001350938.2); c.-56+1112C>T (NM_001350936.2); short protein forms L70F.
Identifiers: ClinVar variation 4700961 (VCV004700961.1).